The following is an entry in ClinVar:

NM_005276.4(GPD1):c.707T>C (p.Ile236Thr)

Gene: GPD1 (glycerol-3-phosphate dehydrogenase 1; plus strand). Cytogenetic location: 12q13.12.
Variant type: single nucleotide variant.
Coding change: c.707T>C on transcript NM_005276.4 (MANE Select); coding-DNA position 707, T replaced by C.
Protein change: p.Ile236Thr; replaces isoleucine 236 with threonine.
Molecular consequence: missense variant.
Genome position (GRCh38, 1-based): chr12:50,107,661, T>C. VCF-style: chr12-50107661-T-C. GRCh37 (hg19) VCF-style: chr12-50501444-T-C.
Other names: c.638T>C, p.Ile213Thr (NM_001257199.2); c.707T>C (NM_005276.2, NM_005276.3); short protein forms I236T, I213T.
Identifiers: ClinVar variation 594733 (VCV000594733.7), dbSNP rs144886178, ClinGen allele CA6561735.

ClinVar aggregate classification (germline): Conflicting classifications of pathogenicity. Review status: criteria provided, conflicting classifications (1 of 4 stars). 3 submissions from 3 submitters: Uncertain significance (2); Likely benign (1). Last evaluated 2024-08-05.

Conditions:
Inborn genetic diseases. Identifiers: MedGen C0950123, MeSH D030342.

Allele frequency attached by ClinVar (database versions not stated): ExAC 0.00006; gnomAD exomes 0.00008 and 0.00009; TOPMed 0.00018; gnomAD 0.00020 and 0.00021; ESP Exome Variant Server 0.00031.
gnomAD v4.1: 166 of 1,613,978 alleles (0.01%); highest among the groups gnomAD compares: African/African-American, 0.033%; no homozygotes.

Submissions (3):

GeneDx
Classification: Uncertain significance. Last evaluated: 2024-08-05. Review status: criteria provided, single submitter. Criteria: GeneDx Variant Classification Process June 2021. Collection method: clinical testing. Allele origin: germline. Affected: yes.
Comment: Reported as a common, small-effect variant that confers an increased polygenic risk for hypertriglyceridemia in a precision medicine study (PMID: 36325899); In silico analysis supports that this missense variant has a deleterious effect on protein structure/function; This variant is associated with the following publications: (PMID: 36920900, 36325899)

Ambry Genetics
Classification: Likely benign for Inborn genetic diseases. Last evaluated: 2023-09-20. Review status: criteria provided, single submitter. Criteria: Ambry Variant Classification Scheme 2023. Collection method: clinical testing. Allele origin: germline.

Eurofins Ntd Llc (ga)
Classification: Uncertain significance. Last evaluated: 2017-11-09. Review status: criteria provided, single submitter. Criteria: EGL Classification Definitions 2015. Collection method: clinical testing. Allele origin: germline. Observed: 1 variant allele, 1 heterozygote.